The following is an entry in ClinVar:

ClinVar aggregate classification (germline): Pathogenic (1 of 4 stars; one submission).

Submission:

Labcorp Genetics (formerly Invitae), Labcorp
Classification: Pathogenic. Last evaluated: 2026-01-28. Review status: criteria provided, single submitter. Criteria: Invitae Variant Classification Sherloc (09022015). Collection method: clinical testing. Allele origin: germline.
Comment: This sequence change creates a premature translational stop signal (p.Gln1064Leufs*10) in the SZT2 gene. It is expected to result in an absent or disrupted protein product. Loss-of-function variants in SZT2 are known to be pathogenic (PMID: 23932106, 27248490, 28556953). This variant is not present in population databases (gnomAD no frequency). This variant has not been reported in the literature in individuals affected with SZT2-related conditions. For these reasons, this variant has been classified as Pathogenic.

Literature cited by the submitters: PubMed 23932106; PubMed 27248490; PubMed 28556953.

NM_001365999.1(SZT2):c.3358_3359dup (p.Gln1121fs)

Gene: SZT2 (SZT2 subunit of KICSTOR complex; plus strand). Cytogenetic location: 1p34.2.
Variant type: Duplication.
Coding change: c.3358_3359dup on transcript NM_001365999.1 (MANE Select); coding-DNA positions 3358 to 3359, 2 bases duplicated (CC; older notation c.3358_3359dupCC).
Protein change: p.Gln1121fs; shifts the reading frame from glutamine 1121.
Molecular consequence: frameshift variant.
Genome position (GRCh38, 1-based): chr1:43,427,104-43,427,105, CC duplicated; duplicating any 2 consecutive bases within chr1:43,427,101-43,427,105 gives the same sequence; the c. name uses the placement nearest the transcript's 3' end. VCF-style (leftmost placement, unchanged base first): chr1-43427100-G-GCC. GRCh37 (hg19) VCF-style: chr1-43892771-G-GCC.
Other names: c.3187_3188dup, p.Gln1064fs (NM_015284.4); short protein forms Q1064fs, Q1121fs.
Identifiers: ClinVar variation 4736410 (VCV004736410.1).